The following is an entry in ClinVar:

NM_001129.5(AEBP1):c.2285T>G (p.Leu762Arg)

Gene: AEBP1 (AE binding protein 1; plus strand). Cytogenetic location: 7p13.
Variant type: single nucleotide variant.
Coding change: c.2285T>G on transcript NM_001129.5 (MANE Select); coding-DNA position 2285, T replaced by G.
Protein change: p.Leu762Arg; replaces leucine 762 with arginine.
Molecular consequence: missense variant.
Genome position (GRCh38, 1-based): chr7:44,112,625, T>G. VCF-style: chr7-44112625-T-G. GRCh37 (hg19) VCF-style: chr7-44152224-T-G.
Other names: short protein forms L762R.
Identifiers: ClinVar variation 1395655 (VCV001395655.8), dbSNP rs2128809196, ClinGen allele CA367370605.
Genomic context (GRCh38, chr7:44,112,625, plus strand): 5'-CGGAGGTCCGGGCCATCATTGCCTGGATGGAGAAGAACCCCTTCGTGCTGGGAGCAAATC[T>G]GAACGGCGGCGAGCGGCTAGTATCCTACCCCTACGATATGGCCCGCACGCCTACCCAGGA-3'
Protein context (NP_001120.3, residues 752-772): EKNPFVLGAN[Leu762Arg]NGGERLVSYP

ClinVar aggregate classification (germline): Uncertain significance (1 of 4 stars; one submission).

Submission:

Labcorp Genetics (formerly Invitae), Labcorp
Classification: Uncertain significance. Last evaluated: 2021-05-17. Review status: criteria provided, single submitter. Criteria: Invitae Variant Classification Sherloc (09022015). Collection method: clinical testing. Allele origin: germline.
Comment: In summary, the available evidence is currently insufficient to determine the role of this variant in disease. Therefore, it has been classified as a Variant of Uncertain Significance. Algorithms developed to predict the effect of missense changes on protein structure and function (SIFT, PolyPhen-2, Align-GVGD) all suggest that this variant is likely to be disruptive, but these predictions have not been confirmed by published functional studies and their clinical significance is uncertain. This variant has not been reported in the literature in individuals with AEBP1-related conditions. This variant is not present in population databases (ExAC no frequency). This sequence change replaces leucine with arginine at codon 762 of the AEBP1 protein (p.Leu762Arg). The leucine residue is highly conserved and there is a moderate physicochemical difference between leucine and arginine.